The following is an entry in ClinVar:

ClinVar aggregate classification (germline): Pathogenic (1 of 4 stars; one submission).

Submission:

GeneDx
Classification: Pathogenic. Last evaluated: 2013-10-18. Review status: criteria provided, single submitter. Criteria: GeneDx Variant Classification (06012015). Collection method: clinical testing. Allele origin: germline. Affected: yes.
Comment: c.486+2 T>C: IVS4+2 T>C in intron 4 of the CLN6 gene (NM_017882.2). The c.486+2 T>C splice site mutation in CLN6 destroys the canonical splice donor site in intron 4. It is predicted to cause abnormal gene splicing, either leading to an abnormal message that is subject to nonsense-mediated mRNA decay, or to an abnormal protein product if the message is used for protein translation. Although this mutation has not been reported previously to our knowledge, it is expected to be a pathogenic mutation. The variant is found in CHILD-EPI panel(s).

NM_017882.3(CLN6):c.486+2T>C

Gene: CLN6 (CLN6 transmembrane ER protein; minus strand). Cytogenetic location: 15q23.
Variant type: single nucleotide variant.
Coding change: c.486+2T>C on transcript NM_017882.3 (MANE Select); the canonical splice donor site of the intron after coding-DNA position 486, T replaced by C.
Molecular consequence: splice donor variant.
Genome position (GRCh38, 1-based): chr15:68,211,673, A>G on the plus strand (T>C on the coding strand, the complement: CLN6 is on the minus strand). VCF-style: chr15-68211673-A-G. GRCh37 (hg19) VCF-style: chr15-68504011-A-G.
Other names: c.582+2T>C (NM_001411068.1).
Identifiers: ClinVar variation 205170 (VCV000205170.2), dbSNP rs796052355, ClinGen allele CA313970.